The following is an entry in ClinVar:

NM_001105558.1(WEE2):c.1007_1008dup (p.His337fs)

Genes: WEE2 (WEE2 oocyte meiosis inhibiting kinase; plus strand), WEE2-AS1 (WEE2 antisense RNA 1; minus strand). Cytogenetic location: 7q34.
Variant type: Duplication.
Coding change: c.1007_1008dup on transcript NM_001105558.1 (MANE Select); coding-DNA positions 1007 to 1008, 2 bases duplicated (TA; older notation c.1007_1008dupTA).
Protein change: p.His337fs; shifts the reading frame from histidine 337.
Molecular consequence: frameshift variant.
Genome position (GRCh38, 1-based): chr7:141,723,260-141,723,261, TA duplicated. VCF-style (leftmost placement, unchanged base first): chr7-141723259-G-GTA. GRCh37 (hg19) VCF-style: chr7-141423059-G-GTA.
Other names: short protein forms H337fs.
Identifiers: ClinVar variation 4796631 (VCV004796631.1).
Genomic context (GRCh38, chr7:141,723,259, plus strand): 5'-CTCAAGGACATCCTTCTACAGATTTCCCTTGGCCTTAATTACATCCACAACTCTAGCATG[G>GTA]TACACCTGGACATCAAACCTAGTCAGTGTGATTCCCTTCTGCCACTTCTACCGTATTTTG-3'

ClinVar aggregate classification (germline): Pathogenic (1 of 4 stars; one submission).

Conditions:
Oocyte maturation defect 5. Also called: OOCYTE/ZYGOTE/EMBRYO MATURATION ARREST 5. Identifiers: MedGen C4693865, MONDO:0020837, OMIM 617996.

Submission:

Juno Genomics, Hangzhou Juno Genomics, Inc
Classification: Pathogenic for Oocyte maturation defect 5. Review status: criteria provided, single submitter. Criteria: ACMG Guidelines, 2015. Collection method: clinical testing. Allele origin: germline. Affected: yes.
Comment: Absent from controls (or at extremely low frequency if recessive) in Genome Aggregation Database, Exome Sequencing Project, 1000 Genomes Project, or Exome Aggregation Consortium.;Null variant in a gene where loss of function (LOF) is a known mechanism of disease.;For recessive disorders, detected in trans with a pathogenic variant.;Patient's phenotype or family history is highly specific for a disease with a single genetic etiology.